The following is an entry in ClinVar:

ClinVar aggregate classification (germline): Uncertain significance. Review status: criteria provided, multiple submitters, no conflicts (2 of 4 stars). 2 submissions from 2 submitters: Uncertain significance (2). Last evaluated 2025-03-24.

Conditions:
Inborn genetic diseases. Identifiers: MedGen C0950123, MeSH D030342.

Submissions (2):

Ambry Genetics
Classification: Uncertain significance for Inborn genetic diseases. Last evaluated: 2025-03-24. Review status: criteria provided, single submitter. Criteria: Ambry Variant Classification Scheme 2023. Collection method: clinical testing. Allele origin: germline.

Labcorp Genetics (formerly Invitae), Labcorp
Classification: Uncertain significance. Last evaluated: 2024-02-24. Review status: criteria provided, single submitter. Criteria: Invitae Variant Classification Sherloc (09022015). Collection method: clinical testing. Allele origin: germline.
Comment: This sequence change replaces asparagine, which is neutral and polar, with threonine, which is neutral and polar, at codon 184 of the ATP6V1A protein (p.Asn184Thr). This variant is not present in population databases (gnomAD no frequency). This variant has not been reported in the literature in individuals affected with ATP6V1A-related conditions. Advanced modeling of protein sequence and biophysical properties (such as structural, functional, and spatial information, amino acid conservation, physicochemical variation, residue mobility, and thermodynamic stability) performed at Invitae indicates that this missense variant is not expected to disrupt ATP6V1A protein function with a negative predictive value of 80%. In summary, the available evidence is currently insufficient to determine the role of this variant in disease. Therefore, it has been classified as a Variant of Uncertain Significance.

NM_001690.4(ATP6V1A):c.551A>C (p.Asn184Thr)

Gene: ATP6V1A (ATPase H+ transporting V1 subunit A; plus strand). Cytogenetic location: 3q13.31.
Variant type: single nucleotide variant.
Coding change: c.551A>C on transcript NM_001690.4 (MANE Select); coding-DNA position 551, A replaced by C.
Protein change: p.Asn184Thr; replaces asparagine 184 with threonine.
Molecular consequence: missense variant.
Genome position (GRCh38, 1-based): chr3:113,784,820, A>C. VCF-style: chr3-113784820-A-C. GRCh37 (hg19) VCF-style: chr3-113503667-A-C.
Other names: c.551A>C (NM_001690.3); short protein forms N184T.
Identifiers: ClinVar variation 2806337 (VCV002806337.4), dbSNP rs753308153, ClinGen allele CA81620937.